The following is an entry in ClinVar:

ClinVar aggregate classification (germline): Uncertain significance. Review status: criteria provided, multiple submitters, no conflicts (2 of 4 stars). 3 submissions from 3 submitters: Uncertain significance (3). Last evaluated 2025-04-06.

Conditions:
Immunodeficiency 15a. Identifiers: Orphanet 700205, MedGen C4748694, MONDO:0032599, OMIM 618204.
Severe combined immunodeficiency due to IKK2 deficiency. Also called: Immunodeficiency 15; IMMUNODEFICIENCY 15B. Identifiers: Orphanet 397787, MedGen C4747743, MONDO:0014267, OMIM 615592.

Allele frequency attached by ClinVar (database versions not stated): TOPMed below 0.00001; gnomAD exomes 0.00002 and 0.00005; ExAC 0.00004.
gnomAD v4.1: 27 of 1,606,362 alleles (0.0017%); highest among the groups gnomAD compares: South Asian, 0.024%; no homozygotes.

Submissions (3):

Next Generation Genetic Polyclinic
Classification: Uncertain significance for Immunodeficiency 15a. Last evaluated: 2025-04-06. Review status: criteria provided, single submitter. Criteria: ACMG Guidelines, 2015. Collection method: clinical testing. Allele origin: germline. Affected: yes. Observed: 1 variant allele.
Comment: A novel missense variant in the IKBKB gene (c.1654A>G) was identified through clinical testing in the heterozygous state. This variant is absent from population databases (PM2), and though the clinical significance remains uncertain due to insufficient functional evidence or reported cases, its presence was confirmed by Sanger sequencing. It is currently classified as a Variant of Uncertain Significance (VUS), meeting ACMG criteria: PM2, PP4 (if phenotype supports IKBKB-related disease).

CeGaT Center for Human Genetics Tuebingen
Classification: Uncertain significance. Last evaluated: 2025-03-01. Review status: criteria provided, single submitter. Criteria: CeGaT Center For Human Genetics Tuebingen Variant Classification Criteria Version 2. Collection method: clinical testing. Allele origin: germline. Affected: yes. Observed: 1 variant allele.
Comment: IKBKB: PM2, BP4

Labcorp Genetics (formerly Invitae), Labcorp
Classification: Uncertain significance for Severe combined immunodeficiency due to IKK2 deficiency. Last evaluated: 2022-08-30. Review status: criteria provided, single submitter. Criteria: Invitae Variant Classification Sherloc (09022015). Collection method: clinical testing. Allele origin: germline.
Comment: This sequence change replaces methionine, which is neutral and non-polar, with valine, which is neutral and non-polar, at codon 552 of the IKBKB protein (p.Met552Val). This variant is present in population databases (rs200018957, gnomAD 0.03%). This variant has not been reported in the literature in individuals affected with IKBKB-related conditions. ClinVar contains an entry for this variant (Variation ID: 1056391). Advanced modeling of protein sequence and biophysical properties (such as structural, functional, and spatial information, amino acid conservation, physicochemical variation, residue mobility, and thermodynamic stability) performed at Invitae indicates that this missense variant is not expected to disrupt IKBKB protein function. In summary, the available evidence is currently insufficient to determine the role of this variant in disease. Therefore, it has been classified as a Variant of Uncertain Significance.

NM_001556.3(IKBKB):c.1654A>G (p.Met552Val)

Gene: IKBKB (inhibitor of nuclear factor kappa B kinase subunit beta; plus strand). Cytogenetic location: 8p11.21.
Variant type: single nucleotide variant.
Coding change: c.1654A>G on transcript NM_001556.3 (MANE Select); coding-DNA position 1654, A replaced by G.
Protein change: p.Met552Val; replaces methionine 552 with valine.
Molecular consequence: missense variant. On other transcripts: non-coding transcript variant (3).
Genome position (GRCh38, 1-based): chr8:42,320,810, A>G. VCF-style: chr8-42320810-A-G. GRCh37 (hg19) VCF-style: chr8-42178328-A-G.
Other names: c.1462A>G, p.Met488Val (NM_001190720.3); c.1477A>G, p.Met493Val (NM_001242778.2); short protein forms M488V, M493V, M552V.
Identifiers: ClinVar variation 1056391 (VCV001056391.10), dbSNP rs200018957, ClinGen allele CA4732068.